The following is an entry in ClinVar:

NM_001848.3(COL6A1):c.1003-3C>A

Gene: COL6A1 (collagen type VI alpha 1 chain; plus strand). Cytogenetic location: 21q22.3.
Variant type: single nucleotide variant.
Coding change: c.1003-3C>A on transcript NM_001848.3 (MANE Select); 3 bases into the intron before coding-DNA position 1003, C replaced by A.
Molecular consequence: intron variant.
Genome position (GRCh38, 1-based): chr21:45,990,770, C>A. VCF-style: chr21-45990770-C-A. GRCh37 (hg19) VCF-style: chr21-47410684-C-A.
Identifiers: ClinVar variation 3723895 (VCV003723895.2).

ClinVar aggregate classification (germline): Pathogenic (1 of 4 stars; one submission).

Conditions:
Bethlem myopathy 1A. Also called: MYOPATHY, BENIGN CONGENITAL, WITH CONTRACTURES; Bethlem myopathy 1; Bethlem Muscular Dystrophy. Identifiers: Orphanet 610, MedGen CN029274, MONDO:0024530, OMIM 158810.

Submission:

Labcorp Genetics (formerly Invitae), Labcorp
Classification: Pathogenic for Bethlem myopathy 1A. Last evaluated: 2024-05-24. Review status: criteria provided, single submitter. Criteria: Invitae Variant Classification Sherloc (09022015). Collection method: clinical testing. Allele origin: germline.
Comment: This sequence change falls in intron 13 of the COL6A1 gene. It does not directly change the encoded amino acid sequence of the COL6A1 protein. It affects a nucleotide within the consensus splice site. This variant is not present in population databases (gnomAD no frequency). This variant has been observed in individual(s) with Bethlem myopathy and/or clinical features of type VI collagenopathy (PMID: 15689448; Invitae). In at least one individual the variant was observed to be de novo. Variants that disrupt the consensus splice site are a relatively common cause of aberrant splicing (PMID: 17576681, 9536098). Algorithms developed to predict the effect of sequence changes on RNA splicing suggest that this variant may disrupt the consensus splice site. For these reasons, this variant has been classified as Pathogenic.

Literature cited by the submitters: PubMed 15689448; PubMed 17576681; PubMed 9536098.